The following is an entry in ClinVar:

ClinVar aggregate classification (germline): Uncertain significance. Review status: criteria provided, multiple submitters, no conflicts (2 of 4 stars). 6 submissions from 6 submitters: Uncertain significance (6). Last evaluated 2023-07-10.

Conditions:
Seckel syndrome 4 (SCKL4). Identifiers: Orphanet 808, MedGen C3888212, MONDO:0013358, OMIM 613676.
Microcephaly 6, primary, autosomal recessive. Identifiers: Orphanet 2512, MedGen C1842109, MONDO:0012029, OMIM 608393.
Inborn genetic diseases. Identifiers: MedGen C0950123, MeSH D030342.

Allele frequency attached by ClinVar (database versions not stated): gnomAD 0.00006 and 0.00007; gnomAD exomes 0.00006 and 0.00013; ExAC 0.00010; TOPMed 0.00012; ESP Exome Variant Server 0.00015; 1000 Genomes Project 30x 0.00016; 1000 Genomes Project 0.00020.
gnomAD v4.1: 98 of 1,613,984 alleles (0.0061%); highest among the groups gnomAD compares: Middle Eastern, 0.049%; no homozygotes.

Submissions (6):

Labcorp Genetics (formerly Invitae), Labcorp
Classification: Uncertain significance. Last evaluated: 2023-07-10. Review status: criteria provided, single submitter. Criteria: Invitae Variant Classification Sherloc (09022015). Collection method: clinical testing. Allele origin: germline.
Comment: This sequence change replaces glutamic acid, which is acidic and polar, with lysine, which is basic and polar, at codon 1142 of the CENPJ protein (p.Glu1142Lys). In summary, the available evidence is currently insufficient to determine the role of this variant in disease. Therefore, it has been classified as a Variant of Uncertain Significance. Advanced modeling of protein sequence and biophysical properties (such as structural, functional, and spatial information, amino acid conservation, physicochemical variation, residue mobility, and thermodynamic stability) performed at Invitae indicates that this missense variant is not expected to disrupt CENPJ protein function. ClinVar contains an entry for this variant (Variation ID: 594724). This variant has not been reported in the literature in individuals affected with CENPJ-related conditions. This variant is present in population databases (rs182528406, gnomAD 0.04%).

GeneDx
Classification: Uncertain significance. Last evaluated: 2023-04-21. Review status: criteria provided, single submitter. Criteria: GeneDx Variant Classification Process June 2021. Collection method: clinical testing. Allele origin: germline. Affected: yes.
Comment: In silico analysis supports that this missense variant does not alter protein structure/function; Has not been previously published as pathogenic or benign to our knowledge

Department of Pathology and Laboratory Medicine, Sinai Health System
Classification: Uncertain significance for Microcephaly 6, primary, autosomal recessive; Seckel syndrome 4. Last evaluated: 2023-02-08. Review status: criteria provided, single submitter. Criteria: ACMG Guidelines, 2015. Collection method: research. Allele origin: germline.

Ambry Genetics
Classification: Uncertain significance for Inborn genetic diseases. Last evaluated: 2021-07-15. Review status: criteria provided, single submitter. Criteria: Ambry Variant Classification Scheme 2023. Collection method: clinical testing. Allele origin: germline.

Eurofins Ntd Llc (ga)
Classification: Uncertain significance. Last evaluated: 2017-11-14. Review status: criteria provided, single submitter. Criteria: EGL Classification Definitions 2015. Collection method: clinical testing. Allele origin: germline. Observed: 1 variant allele, 1 heterozygote.

Breakthrough Genomics
Classification: Uncertain significance. Review status: criteria provided, single submitter. Criteria: ACMG Guidelines, 2015. Collection method: not provided. Allele origin: germline. Inheritance: Autosomal recessive inheritance. Affected: yes.

NM_018451.5(CPAP):c.3424G>A (p.Glu1142Lys)

Genes: RNF17 (ring finger protein 17; plus strand), CPAP (centrosome assembly and centriole elongation protein; minus strand). Cytogenetic location: 13q12.12.
Variant type: single nucleotide variant.
Coding change: c.3424G>A on transcript NM_018451.5 (MANE Select); coding-DNA position 3424, G replaced by A.
Protein change: p.Glu1142Lys; replaces glutamic acid 1142 with lysine.
Molecular consequence: missense variant. On other transcripts: non-coding transcript variant (2).
Genome position (GRCh38, 1-based): chr13:24,885,329, C>T on the plus strand (G>A on the coding strand, the complement: CPAP is on the minus strand). VCF-style: chr13-24885329-C-T. GRCh37 (hg19) VCF-style: chr13-25459467-C-T.
Other names: c.3424G>A (NM_018451.3); short protein forms E1142K.
Identifiers: ClinVar variation 594724 (VCV000594724.15), dbSNP rs182528406, ClinGen allele CA6919287.
Genomic context (GRCh38, chr13:24,885,329, plus strand): 5'-TTTTAACCTTTCCATCAGGATGACTGATTTCTCCCTGTATGTCTTGGTCTTCCTCCTCCT[C>T]TTTATATTCAGGATCTGGGAAGTTCAGTGGTTCAAGTGGCTCCCTGGGAGAGGCAGCCTG-3'
Protein context (NP_060921.3, residues 1132-1152): PLNFPDPEYK[Glu1142Lys]EEEDQDIQGE